The following is an entry in ClinVar:

ClinVar aggregate classification (germline): Conflicting classifications of pathogenicity. Review status: criteria provided, conflicting classifications (1 of 4 stars). 2 submissions from 2 submitters: Uncertain significance (1); Likely benign (1). Last evaluated 2023-03-23.

Conditions:
Hereditary cancer-predisposing syndrome. Also called: Hereditary neoplastic syndrome; Hereditary Cancer Syndrome; Neoplastic Syndromes, Hereditary; Tumor predisposition. Identifiers: Orphanet 140162, MedGen C0027672, MeSH D009386, MONDO:0015356.
Hereditary breast ovarian cancer syndrome. Also called: BRCA1- and BRCA2-Associated Hereditary Breast and Ovarian Cancer; Hereditary breast and ovarian cancer syndrome; Hereditary breast and ovarian cancer; Hereditary breast and ovarian cancer syndrome (HBOC); Breast and ovarian cancer; Hereditary breast and/or ovarian cancer syndrome. Identifiers: Orphanet 145, MedGen C0677776, MeSH D061325, MONDO:0003582. Disease mechanism: loss of function.

Allele frequency attached by ClinVar (database versions not stated): gnomAD exomes below 0.00001.
gnomAD v4.1: 2 of 1,610,216 alleles (0.00012%); highest among the groups gnomAD compares: Non-Finnish European, 0.00017%; no homozygotes.

Submissions (2):

University of Washington Department of Laboratory Medicine, University of Washington
Classification: Likely benign for Hereditary cancer-predisposing syndrome. Last evaluated: 2023-03-23. Review status: criteria provided, single submitter. Criteria: Dines et al. (Genet Med. 2020). Collection method: curation. Allele origin: germline.
Comment: Missense variant in a coldspot region where missense variants are very unlikely to be pathogenic (PMID:31911673).

BRCA2 exon 11 coldspot. Reclassification based on statistical prior probability.

Labcorp Genetics (formerly Invitae), Labcorp
Classification: Uncertain significance for Hereditary breast ovarian cancer syndrome. Last evaluated: 2021-12-19. Review status: criteria provided, single submitter. Criteria: Invitae Variant Classification Sherloc (09022015). Collection method: clinical testing. Allele origin: germline.
Comment: This sequence change replaces isoleucine, which is neutral and non-polar, with methionine, which is neutral and non-polar, at codon 1846 of the BRCA2 protein (p.Ile1846Met). This variant is not present in population databases (gnomAD no frequency). This variant has not been reported in the literature in individuals affected with BRCA2-related conditions. ClinVar contains an entry for this variant (Variation ID: 236881). Advanced modeling of protein sequence and biophysical properties (such as structural, functional, and spatial information, amino acid conservation, physicochemical variation, residue mobility, and thermodynamic stability) performed at Invitae indicates that this missense variant is not expected to disrupt BRCA2 protein function. In summary, the available evidence is currently insufficient to determine the role of this variant in disease. Therefore, it has been classified as a Variant of Uncertain Significance.

NM_000059.4(BRCA2):c.5538A>G (p.Ile1846Met)

Gene: BRCA2 (BRCA2 DNA repair associated; plus strand). Cytogenetic location: 13q13.1.
Variant type: single nucleotide variant.
Coding change: c.5538A>G on transcript NM_000059.4 (MANE Select); coding-DNA position 5538, A replaced by G.
Protein change: p.Ile1846Met; replaces isoleucine 1846 with methionine.
Molecular consequence: missense variant.
Genome position (GRCh38, 1-based): chr13:32,339,893, A>G. VCF-style: chr13-32339893-A-G. GRCh37 (hg19) VCF-style: chr13-32914030-A-G.
Other names: short protein forms I1846M.
Identifiers: ClinVar variation 236881 (VCV000236881.8), dbSNP rs878853590, ClinGen allele CA10583115.